The following is an entry in ClinVar:

ClinVar aggregate classification (germline): Uncertain significance (1 of 4 stars; one submission).

Allele frequency attached by ClinVar (database versions not stated): gnomAD exomes below 0.00001.
gnomAD v4.1: 2 of 1,550,876 alleles (0.00013%); highest among the groups gnomAD compares: Non-Finnish European, 0.00017%; no homozygotes.

Submission:

Labcorp Genetics (formerly Invitae), Labcorp
Classification: Uncertain significance. Last evaluated: 2022-01-23. Review status: criteria provided, single submitter. Criteria: Invitae Variant Classification Sherloc (09022015). Collection method: clinical testing. Allele origin: germline.
Comment: In summary, the available evidence is currently insufficient to determine the role of this variant in disease. Therefore, it has been classified as a Variant of Uncertain Significance. Algorithms developed to predict the effect of missense changes on protein structure and function are either unavailable or do not agree on the potential impact of this missense change (SIFT: "Deleterious"; PolyPhen-2: "Possibly Damaging"; Align-GVGD: "Class C0"). This variant has not been reported in the literature in individuals affected with PPCS-related conditions. This variant is not present in population databases (gnomAD no frequency). This sequence change replaces arginine, which is basic and polar, with cysteine, which is neutral and slightly polar, at codon 18 of the PPCS protein (p.Arg18Cys).

NM_024664.4(PPCS):c.52C>T (p.Arg18Cys)

Genes: CCDC30 (coiled-coil domain containing 30; plus strand), PPCS (phosphopantothenoylcysteine synthetase; plus strand), LOC129930343 (ATAC-STARR-seq lymphoblastoid active region 893; plus strand). Cytogenetic location: 1p34.2.
Variant type: single nucleotide variant.
Coding change: c.52C>T on transcript NM_024664.4 (MANE Select); coding-DNA position 52, C replaced by T.
Protein change: p.Arg18Cys; replaces arginine 18 with cysteine.
Molecular consequence: missense variant. On other transcripts: 5 prime UTR variant (3), intron variant (4).
Genome position (GRCh38, 1-based): chr1:42,456,617, C>T. VCF-style: chr1-42456617-C-T. GRCh37 (hg19) VCF-style: chr1-42922288-C-T.
Other names: c.-23C>T (NM_001077447.3); c.-119C>T (NM_001287508.2); c.-641C>T (NM_001287510.2); c.52C>T, p.Arg18Cys (NM_001287511.2); c.-984+118C>T (NM_001355226.2); c.-328+118C>T (NM_001287507.1); c.-12+118C>T (NM_001287506.1); c.-12+34C>T (NM_001287509.2); short protein forms R18C.
Identifiers: ClinVar variation 2089293 (VCV002089293.4), dbSNP rs2522598312, ClinGen allele CA339943563.